The following is an entry in ClinVar:

NM_001606.5(ABCA2):c.491G>A (p.Arg164His)

Gene: ABCA2 (ATP binding cassette subfamily A member 2; minus strand). Cytogenetic location: 9q34.3.
Variant type: single nucleotide variant.
Coding change: c.491G>A on transcript NM_001606.5 (MANE Select); coding-DNA position 491, G replaced by A.
Protein change: p.Arg164His; replaces arginine 164 with histidine.
Molecular consequence: missense variant.
Genome position (GRCh38, 1-based): chr9:137,022,427, C>T on the plus strand (G>A on the coding strand, the complement: ABCA2 is on the minus strand). VCF-style: chr9-137022427-C-T. GRCh37 (hg19) VCF-style: chr9-139916879-C-T.
Other names: c.488G>A, p.Arg163His (NM_001411042.1); c.581G>A, p.Arg194His (NM_212533.3); short protein forms R163H, R164H, R194H.
Identifiers: ClinVar variation 3059568 (VCV003059568.3), dbSNP rs34039859, ClinGen allele CA5355810.

ClinVar aggregate classification (germline): Benign. Review status: criteria provided, single submitter (1 of 4 stars). 2 submissions from 2 submitters: Benign (1). 1 of the submissions does not count toward it. Last evaluated 2024-11-27.

Conditions:
ABCA2-related disorder. Also called: ABCA2-related condition.

Allele frequency attached by ClinVar (database versions not stated): 1000 Genomes Project 0.03195; 1000 Genomes Project 30x 0.03451; TOPMed 0.05713; gnomAD 0.05726; ESP Exome Variant Server 0.05812; ExAC 0.05881; gnomAD exomes 0.06681.
gnomAD v4.1: 106,288 of 1,611,654 alleles (6.6%); highest among the groups gnomAD compares: Non-Finnish European, 7.3%; 3,883 homozygotes.

Submissions (2):

Blueprint Genetics
Classification: Benign. Last evaluated: 2024-11-27. Review status: criteria provided, single submitter. Criteria: ACMG Guidelines, 2015. Collection method: clinical testing. Allele origin: germline.

PreventionGenetics, part of Exact Sciences
Classification: Benign for ABCA2-related condition. Last evaluated: 2019-12-19. Review status: no assertion criteria provided. Collection method: clinical testing. Allele origin: germline. Not counted in ClinVar's aggregate classification.
Comment: This variant is classified as benign based on ACMG/AMP sequence variant interpretation guidelines (Richards et al. 2015 PMID: 25741868, with internal and published modifications).